The following is an entry in ClinVar:

NM_001009944.3(PKD1):c.8467G>A (p.Val2823Met)

Gene: PKD1 (polycystin 1, transient receptor potential channel interacting; minus strand). Cytogenetic location: 16p13.3.
Variant type: single nucleotide variant.
Coding change: c.8467G>A on transcript NM_001009944.3 (MANE Select); coding-DNA position 8467, G replaced by A.
Protein change: p.Val2823Met; replaces valine 2823 with methionine.
Molecular consequence: missense variant.
Genome position (GRCh38, 1-based): chr16:2,103,590, C>T on the plus strand (G>A on the coding strand, the complement: PKD1 is on the minus strand). VCF-style: chr16-2103590-C-T. GRCh37 (hg19) VCF-style: chr16-2153591-C-T.
Other names: c.8467G>A, p.Val2823Met (NM_000296.4); short protein forms V2823M.
Identifiers: ClinVar variation 4990984 (VCV004990984.1).
Genomic context (GRCh38, chr16:2,103,590, plus strand): 5'-TGTAGTTGCTGATATAGCCAAAGGGAAAGGGATTGGAGTCCACCAGAAAGATGAGCTGCA[C>T]CACGTCACTGAGGTTGGCCAGGGCCCCGCTGAAAGCCTCGGGGATGGAGAAGTGGCAGCC-3'
Protein context (NP_001009944.3, residues 2813-2833): SGALANLSDV[Val2823Met]QLIFLVDSNP

ClinVar aggregate classification (germline): Uncertain significance (1 of 4 stars; one submission).

Conditions:
PKD1-related disorder. Also called: PKD1-related condition.

gnomAD v4.1: 8 of 1,610,390 alleles (0.0005%); highest among the groups gnomAD compares: Non-Finnish European, 0.00059%; no homozygotes.

Submission:

PreventionGenetics, part of Exact Sciences
Classification: Uncertain significance for PKD1-related condition. Last evaluated: 2026-09-23. Review status: criteria provided, single submitter. Criteria: ACMG Guidelines, 2015. Collection method: clinical testing. Allele origin: germline.
Comment: The PKD1 c.8467G>A variant is predicted to result in the amino acid substitution p.Val2823Met. To our knowledge, this variant has not been reported in the literature or in a large population database (gnomAD), indicating this variant is rare. At this time, the clinical significance of this variant is uncertain due to the absence of conclusive functional and genetic evidence.